The following is an entry in ClinVar:

ClinVar aggregate classification (germline): Likely pathogenic (1 of 4 stars; one submission).

Conditions:
Hereditary cancer-predisposing syndrome. Also called: Hereditary Cancer Syndrome; Neoplastic Syndromes, Hereditary; Hereditary neoplastic syndrome; Tumor predisposition. Identifiers: Orphanet 140162, MedGen C0027672, MeSH D009386, MONDO:0015356.

Submission:

Ambry Genetics
Classification: Likely pathogenic for Hereditary cancer-predisposing syndrome. Last evaluated: 2014-10-01. Review status: criteria provided, single submitter. Criteria: Ambry Variant Classification Scheme 2023. Collection method: clinical testing. Allele origin: germline.
Comment: The c.2107-1G>A intronic variant, results from a G to A one nucleotide upstream from coding exon 21 of the RB1 gene. An alteration resulting in a different substitution at the same position (c.2107-1G>C) was previously reported in three individuals affected with bilateral retinoblastoma from a single family from the Netherlands (Dommering C et al. Fam Cancer. 2012 Jun;11(2):225-33). This variant was not reported in population-based cohorts in the following databases: Database of Single Nucleotide Polymorphisms (dbSNP), NHLBI Exome Sequencing Project (ESP) and 1000 Genomes Project. To date, this alteration has been detected with an allele frequency of approximately 0.29% (greater than 350 alleles tested) in our clinical cohort. Based on nucleotide sequence alignment, this position is highly conserved in available vertebrate species. Using the BDGP and ESEfinder splice site prediction tools, this alteration is predicted to abolish the native acceptor site; however, direct evidence is unavailable. Alterations that disrupt the canonical splice acceptor site are typically deleterious in nature (ACMG Recommendations for Standards for Interpretation and Reporting of Sequence Variations. Revision 2007. Genet Med. 2008;10:294). As such, the c.2107-1G>A variant is classified as likely pathogenic.

Literature cited by the submitters: PubMed 22205104.

NM_000321.3(RB1):c.2107-1G>A

Gene: RB1 (RB transcriptional corepressor 1; plus strand). Cytogenetic location: 13q14.2.
Variant type: single nucleotide variant.
Coding change: c.2107-1G>A on transcript NM_000321.3 (MANE Select); the canonical splice acceptor site of the intron before coding-DNA position 2107, G replaced by A.
Molecular consequence: splice acceptor variant.
Genome position (GRCh38, 1-based): chr13:48,463,730, G>A. VCF-style: chr13-48463730-G-A. GRCh37 (hg19) VCF-style: chr13-49037866-G-A.
Other names: c.2107-1G>A (NM_001407165.1).
Identifiers: ClinVar variation 428698 (VCV000428698.5), dbSNP rs587778860, ClinGen allele CA388166993.